The following is an entry in ClinVar:

ClinVar aggregate classification (germline): Uncertain significance (1 of 4 stars; one submission).

Conditions:
Inborn genetic diseases. Identifiers: MedGen C0950123, MeSH D030342.

Submission:

Ambry Genetics
Classification: Uncertain significance for Inborn genetic diseases. Last evaluated: 2025-07-30. Review status: criteria provided, single submitter. Criteria: Ambry Variant Classification Scheme 2023. Collection method: clinical testing. Allele origin: germline.
Comment: The c.57+6T>C intronic alteration results from a T to C substitution 6 nucleotides after coding exon 1 in the FRMD7 gene. This variant was not reported in population-based cohorts in the Genome Aggregation Database (gnomAD). This nucleotide position is highly conserved in available vertebrate species. In silico splice site analysis for this alteration is inconclusive. Based on insufficient or conflicting evidence, the clinical significance of this alteration remains unclear.

NM_194277.3(FRMD7):c.57+6T>C

Gene: FRMD7 (FERM domain containing 7; minus strand). Cytogenetic location: Xq26.2.
Variant type: single nucleotide variant.
Coding change: c.57+6T>C on transcript NM_194277.3 (MANE Select); 6 bases into the intron after coding-DNA position 57, T replaced by C.
Molecular consequence: intron variant.
Genome position (GRCh38, 1-based): chrX:132,127,782, A>G on the plus strand (T>C on the coding strand, the complement: FRMD7 is on the minus strand). VCF-style: chrX-132127782-A-G. GRCh37 (hg19) VCF-style: chrX-131261810-A-G.
Other names: c.57+6T>C (NM_001306193.2).
Identifiers: ClinVar variation 4259930 (VCV004259930.1).
Genomic context (GRCh38, chrX:132,127,782, plus strand): 5'-GCTGTTCACAAATGACAATTATTGAATGAATAATAAAGGAATAATAGCAATGTGATTTCC[A>G]CTTACATCAACCACAAAAATCTTCTGGGAATCATCCAAAAACTGCACTTTTAAATGTAGC-3'